The following is an entry in ClinVar:

NM_005422.4(TECTA):c.6428C>T (p.Ser2143Leu)

Genes: TECTA (tectorin alpha; plus strand), TBCEL-TECTA (TBCEL-TECTA readthrough; plus strand). Cytogenetic location: 11q23.3.
Variant type: single nucleotide variant.
Coding change: c.6428C>T on transcript NM_005422.4 (MANE Select); coding-DNA position 6428, C replaced by T.
Protein change: p.Ser2143Leu; replaces serine 2143 with leucine.
Molecular consequence: missense variant.
Genome position (GRCh38, 1-based): chr11:121,190,766, C>T. VCF-style: chr11-121190766-C-T. GRCh37 (hg19) VCF-style: chr11-121061475-C-T.
Other names: c.7370C>T, p.Ser2457Leu (NM_001378761.1); short protein forms S2143L, S2457L.
Identifiers: ClinVar variation 303046 (VCV000303046.22), dbSNP rs538443920, ClinGen allele CA6327990.

ClinVar aggregate classification (germline): Conflicting classifications of pathogenicity. Review status: criteria provided, conflicting classifications (1 of 4 stars). 6 submissions from 5 submitters: Uncertain significance (1); Benign (5). Last evaluated 2024-09-28.

Conditions:
Autosomal recessive nonsyndromic hearing loss 21. Identifiers: Orphanet 90636, MedGen C1863655, MONDO:0011351, OMIM 603629.
Autosomal dominant nonsyndromic hearing loss 12. Also called: DEAFNESS, AUTOSOMAL DOMINANT 8. Identifiers: Orphanet 90635, MedGen C1832187, MONDO:0011102, OMIM 601543.

Allele frequency attached by ClinVar (database versions not stated): gnomAD 0.00004 and 0.00086; TOPMed 0.00017; gnomAD exomes 0.00143 and 0.00292; ExAC 0.00340; 1000 Genomes Project 30x 0.00718; 1000 Genomes Project 0.00799.
gnomAD v4.1: 2,216 of 1,613,790 alleles (0.14%); highest among the groups gnomAD compares: South Asian, 2.3%; 43 homozygotes.

Submissions (6):

Labcorp Genetics (formerly Invitae), Labcorp
Classification: Benign. Last evaluated: 2024-09-28. Review status: criteria provided, single submitter. Criteria: Invitae Variant Classification Sherloc (09022015). Collection method: clinical testing. Allele origin: germline.

Athena Diagnostics
Classification: Benign. Last evaluated: 2021-03-03. Review status: criteria provided, single submitter. Criteria: Athena Diagnostics criteria. Collection method: clinical testing. Allele origin: unknown.

GeneDx
Classification: Benign. Last evaluated: 2020-11-20. Review status: criteria provided, single submitter. Criteria: GeneDx Variant Classification Process June 2021. Collection method: clinical testing. Allele origin: germline. Affected: yes.

ARUP Laboratories, Molecular Genetics and Genomics, ARUP Laboratories
Classification: Benign. Last evaluated: 2018-03-02. Review status: criteria provided, single submitter. Criteria: ARUP Molecular Germline Variant Investigation Process. Collection method: clinical testing. Allele origin: germline.

Illumina Laboratory Services, Illumina
Classification: Uncertain significance for Autosomal recessive nonsyndromic hearing loss 21. Last evaluated: 2018-01-13. Review status: criteria provided, single submitter. Criteria: ICSL Variant Classification Criteria 13 December 2019. Collection method: clinical testing. Allele origin: germline.

Illumina Laboratory Services, Illumina
Classification: Benign for Autosomal dominant nonsyndromic hearing loss 12. Last evaluated: 2018-01-13. Review status: criteria provided, single submitter. Criteria: ICSL Variant Classification Criteria 13 December 2019. Collection method: clinical testing. Allele origin: germline.
Comment: This variant was observed in the ICSL laboratory as part of a predisposition screen in an ostensibly healthy population. It had not been previously curated by ICSL or reported in the Human Gene Mutation Database (HGMD: prior to June 1st, 2018), and was therefore a candidate for classification through an automated scoring system. Utilizing variant allele frequency, disease prevalence and penetrance estimates, and inheritance mode, an automated score was calculated to assess if this variant is too frequent to cause the disease. Based on the score and internal cut-off values, a variant classified as benign is not then subjected to further curation. The score for this variant resulted in a classification of benign for this disease.